The following is an entry in ClinVar:

ClinVar aggregate classification (germline): Uncertain significance (1 of 4 stars; one submission).

Conditions:
Developmental and epileptic encephalopathy, 1 (DEE1). Also called: INFANTILE SPASM SYNDROME, X-LINKED 1; X-linked infantile spasms; West's syndrome; Tonic spasms with clustering, arrest of psychomotor development and hypsarrhythmia on EEG; X-Linked Infantile Spasm Syndrome; OHTAHARA SYNDROME, X-LINKED. Identifiers: MedGen C3463992, MONDO:0010632, OMIM 308350. Disease mechanism: loss of function.
Intellectual disability, X-linked, with or without seizures, ARX-related. Also called: MENTAL RETARDATION, X-LINKED 29; MENTAL RETARDATION, X-LINKED 32; MENTAL RETARDATION, X-LINKED 33; MENTAL RETARDATION, X-LINKED 38; MENTAL RETARDATION, X-LINKED 43; MENTAL RETARDATION, X-LINKED 76. Identifiers: Orphanet 777, MedGen C0796244, MONDO:0010317, OMIM 300419.

Submission:

Labcorp Genetics (formerly Invitae), Labcorp
Classification: Uncertain significance for Developmental and epileptic encephalopathy, 1; Intellectual disability, X-linked, with or without seizures, ARX-related. Last evaluated: 2022-02-19. Review status: criteria provided, single submitter. Criteria: Invitae Variant Classification Sherloc (09022015). Collection method: clinical testing. Allele origin: germline.
Comment: In summary, the available evidence is currently insufficient to determine the role of this variant in disease. Therefore, it has been classified as a Variant of Uncertain Significance. Advanced modeling of protein sequence and biophysical properties (such as structural, functional, and spatial information, amino acid conservation, physicochemical variation, residue mobility, and thermodynamic stability) performed at Invitae indicates that this missense variant is not expected to disrupt ARX protein function. This variant has not been reported in the literature in individuals affected with ARX-related conditions. This variant is not present in population databases (gnomAD no frequency). This sequence change replaces glycine, which is neutral and non-polar, with aspartic acid, which is acidic and polar, at codon 220 of the ARX protein (p.Gly220Asp).

NM_139058.3(ARX):c.659G>A (p.Gly220Asp)

Gene: ARX (aristaless related homeobox; minus strand). Cytogenetic location: Xp21.3.
Variant type: single nucleotide variant.
Coding change: c.659G>A on transcript NM_139058.3 (MANE Select); coding-DNA position 659, G replaced by A.
Protein change: p.Gly220Asp; replaces glycine 220 with aspartic acid.
Molecular consequence: missense variant.
Genome position (GRCh38, 1-based): chrX:25,013,336, C>T on the plus strand (G>A on the coding strand, the complement: ARX is on the minus strand). VCF-style: chrX-25013336-C-T. GRCh37 (hg19) VCF-style: chrX-25031453-C-T.
Other names: short protein forms G220D.
Identifiers: ClinVar variation 2175620 (VCV002175620.4), dbSNP rs2147323924, ClinGen allele CA412612715.
Genomic context (GRCh38, chrX:25,013,336, plus strand): 5'-TCCTCGTCCTCATCTTCTTCGTCCTCCAGCAGCTCCTCCTCGTCGTCCTCGGTGCCGGTG[C>T]CACCACCCGCAGCCGGGGCGCTGCCCGGGCCGCCGGCCACGCCGAGGCGCTCCTCCGGGT-3'
Protein context (NP_620689.1, residues 210-230): GPGSAPAAGG[Gly220Asp]TGTEDDEEEL